The following is an entry in ClinVar:

ClinVar aggregate classification (germline): Uncertain significance. Review status: criteria provided, multiple submitters, no conflicts (2 of 4 stars). 2 submissions from 2 submitters: Uncertain significance (2). Last evaluated 2023-04-13.

Allele frequency attached by ClinVar (database versions not stated): TOPMed below 0.00001; ExAC 0.00002; gnomAD exomes 0.00003.
gnomAD v4.1: 38 of 1,607,420 alleles (0.0024%); highest among the groups gnomAD compares: Non-Finnish European, 0.003%; no homozygotes.

Submissions (2):

Blueprint Genetics
Classification: Uncertain significance. Last evaluated: 2023-04-13. Review status: criteria provided, single submitter. Criteria: ACMG Guidelines, 2015. Collection method: clinical testing. Allele origin: germline.

Labcorp Genetics (formerly Invitae), Labcorp
Classification: Uncertain significance. Last evaluated: 2022-03-21. Review status: criteria provided, single submitter. Criteria: Invitae Variant Classification Sherloc (09022015). Collection method: clinical testing. Allele origin: germline.
Comment: This sequence change replaces glycine, which is neutral and non-polar, with serine, which is neutral and polar, at codon 965 of the COL18A1 protein (p.Gly965Ser). The frequency data for this variant in the population databases is considered unreliable, as metrics indicate poor data quality at this position in the gnomAD database. This variant has not been reported in the literature in individuals affected with COL18A1-related conditions. Experimental studies and prediction algorithms are not available or were not evaluated, and the functional significance of this variant is currently unknown. In summary, the available evidence is currently insufficient to determine the role of this variant in disease. Therefore, it has been classified as a Variant of Uncertain Significance.

NM_001379500.1(COL18A1):c.2902G>A (p.Gly968Ser)

Genes: COL18A1 (collagen type XVIII alpha 1 chain; plus strand), SLC19A1 (solute carrier family 19 member 1; minus strand). Cytogenetic location: 21q22.3.
Variant type: single nucleotide variant.
Coding change: c.2902G>A on transcript NM_001379500.1 (MANE Select); coding-DNA position 2902, G replaced by A.
Protein change: p.Gly968Ser; replaces glycine 968 with serine.
Molecular consequence: missense variant.
Genome position (GRCh38, 1-based): chr21:45,505,167, G>A. VCF-style: chr21-45505167-G-A. GRCh37 (hg19) VCF-style: chr21-46925081-G-A.
Other names: c.3433G>A, p.Gly1145Ser (NM_030582.4); c.4138G>A, p.Gly1380Ser (NM_130444.3); short protein forms G1145S, G968S, G1380S.
Identifiers: ClinVar variation 1895668 (VCV001895668.3), dbSNP rs750662609, ClinGen allele CA10067547.